The following is an entry in ClinVar:

NM_031935.3(HMCN1):c.10989+3A>C

Gene: HMCN1 (hemicentin 1; plus strand). Cytogenetic location: 1q31.1.
Variant type: single nucleotide variant.
Coding change: c.10989+3A>C on transcript NM_031935.3 (MANE Select); 3 bases into the intron after coding-DNA position 10989, A replaced by C.
Molecular consequence: intron variant.
Genome position (GRCh38, 1-based): chr1:186,108,600, A>C. VCF-style: chr1-186108600-A-C. GRCh37 (hg19) VCF-style: chr1-186077732-A-C.
Identifiers: ClinVar variation 2022533 (VCV002022533.4), dbSNP rs1299047787, ClinGen allele CA2580061680.

ClinVar aggregate classification (germline): Uncertain significance (1 of 4 stars; one submission).

Submission:

Labcorp Genetics (formerly Invitae), Labcorp
Classification: Uncertain significance. Last evaluated: 2022-08-21. Review status: criteria provided, single submitter. Criteria: Invitae Variant Classification Sherloc (09022015). Collection method: clinical testing. Allele origin: germline.
Comment: In summary, the available evidence is currently insufficient to determine the role of this variant in disease. Therefore, it has been classified as a Variant of Uncertain Significance. Variants that disrupt the consensus splice site are a relatively common cause of aberrant splicing (PMID: 17576681, 9536098). Algorithms developed to predict the effect of sequence changes on RNA splicing suggest that this variant may disrupt the consensus splice site. This variant has not been reported in the literature in individuals affected with HMCN1-related conditions. This variant is not present in population databases (gnomAD no frequency). This sequence change falls in intron 71 of the HMCN1 gene. It does not directly change the encoded amino acid sequence of the HMCN1 protein. It affects a nucleotide within the consensus splice site.

Literature cited by the submitters: PubMed 17576681; PubMed 9536098.